The following is an entry in ClinVar:

NM_006218.4(PIK3CA):c.3193C>T (p.His1065Tyr)

Gene: PIK3CA (phosphatidylinositol-4,5-bisphosphate 3-kinase catalytic subunit alpha; plus strand). Cytogenetic location: 3q26.32.
Variant type: single nucleotide variant.
Coding change: c.3193C>T on transcript NM_006218.4 (MANE Select); coding-DNA position 3193, C replaced by T.
Protein change: p.His1065Tyr; replaces histidine 1065 with tyrosine.
Molecular consequence: missense variant.
Genome position (GRCh38, 1-based): chr3:179,234,350, C>T. VCF-style: chr3-179234350-C-T. GRCh37 (hg19) VCF-style: chr3-178952138-C-T.
Other names: short protein forms H1065Y.
Identifiers: ClinVar variation 3777340 (VCV003777340.2).
Genomic context (GRCh38, chr3:179,234,350, plus strand): 5'-GATGCACATCATGGTGGCTGGACAACAAAAATGGATTGGATCTTCCACACAATTAAACAG[C>T]ATGCATTGAACTGAAAAGATAACTGAGAAAATGAAAGCTCACTCTGGATTCCACACTGCA-3'
Protein context (NP_006209.2, residues 1055-1068): MDWIFHTIKQ[His1065Tyr]ALN

ClinVar aggregate classification (germline): Pathogenic/Likely pathogenic. Review status: criteria provided, multiple submitters, no conflicts (2 of 4 stars). 2 submissions from 2 submitters: Pathogenic (1); Likely pathogenic (1). Last evaluated 2026-04-16.

Conditions:
PIK3CA related overgrowth syndrome. Also called: PIK3CA related overgrowth spectrum; PIK3CA-Related Segmental Overgrowth. Identifiers: Orphanet 530313, MedGen C4728213, MONDO:1040002.

Submissions (2):

Clinical Genomics Laboratory, Washington University in St. Louis
Classification: Likely pathogenic for PIK3CA related overgrowth syndrome. Last evaluated: 2026-04-16. Review status: criteria provided, single submitter. Criteria: ACMG Guidelines, 2015. Collection method: clinical testing. Allele origin: germline. Affected: yes.
Comment: A PIK3CA c.3193C>T (p.His1065Tyr) variant was identified at an allelic fraction of 33.2%, a frequency that could be representative of either somatic or germline variation. This variant has been reported in a somatic state in the literature in one individual with PROS disorder as well as in various types of cancer (Park HJ et al., PMID: 32778138; Muhlenberg T et al., PMID: 31308077; Genomic Mutation ID: COSV55885307). It has been reported in the ClinVar database as a germline pathogenic variant by one submitter (Variation ID: 3777340). It is absent from the general population (gnomAD v4.1.1), indicating it is not a common variant. It resides within the kinase domain of PIK3CA that is defined as a critical functional domain and constitutes a mutational hotspot (Lai A et al., PMID: 35997716; Samuels Y et al., PMID: 15016963; Zhao L et al., PMID: 18268322). The PIK3CA gene is defined by the ClinGen Brain Malformations Variant Curation expert panel as a gene that has a low rate of benign missense variation and where pathogenic missense variants are a common mechanism of disease. Based on available information and an internally developed protocol informed by the ACMG/AMP guidelines for variant interpretation and gene-specific practices from the ClinGen Criteria Specification Registry (Leon-Quintero FZ et al., PMID: 39434542), the PIK3CA c.3193C>T (p.His1065Tyr) variant is classified as likely pathogenic.

GeneDx
Classification: Pathogenic. Last evaluated: 2024-10-14. Review status: criteria provided, single submitter. Criteria: GeneDx Variant Classification Process June 2021. Collection method: clinical testing. Allele origin: germline. Affected: yes.
Comment: Not observed at significant frequency in large population cohorts (gnomAD); In silico analysis indicates that this missense variant does not alter protein structure/function; This variant is associated with the following publications: (PMID: 32778138, 35101336)